The following is an entry in ClinVar:

NM_006397.3(RNASEH2A):c.29A>G (p.Asn10Ser)

Genes: RNASEH2A (ribonuclease H2 subunit A; plus strand), LOC117038795 (CRISPRi-FlowFISH-validated PRDX2 regulatory element 4; plus strand). Cytogenetic location: 19p13.13.
Variant type: single nucleotide variant.
Coding change: c.29A>G on transcript NM_006397.3 (MANE Select); coding-DNA position 29, A replaced by G.
Protein change: p.Asn10Ser; replaces asparagine 10 with serine.
Molecular consequence: missense variant.
Genome position (GRCh38, 1-based): chr19:12,806,702, A>G. VCF-style: chr19-12806702-A-G. GRCh37 (hg19) VCF-style: chr19-12917516-A-G.
Other names: short protein forms N10S.
Identifiers: ClinVar variation 532916 (VCV000532916.6), dbSNP rs1555734300, ClinGen allele CA404263109.

ClinVar aggregate classification (germline): Uncertain significance (1 of 4 stars; one submission).

Conditions:
Aicardi-Goutieres syndrome 4. Identifiers: Orphanet 51, MedGen C1835912, MONDO:0012472, OMIM 610333.

Allele frequency attached by ClinVar (database versions not stated): gnomAD exomes below 0.00001.
gnomAD v4.1: 3 of 1,571,750 alleles (0.00019%); highest among the groups gnomAD compares: South Asian, 0.0023%; no homozygotes.

Submission:

Labcorp Genetics (formerly Invitae), Labcorp
Classification: Uncertain significance for Aicardi-Goutieres syndrome 4. Last evaluated: 2021-08-31. Review status: criteria provided, single submitter. Criteria: Invitae Variant Classification Sherloc (09022015). Collection method: clinical testing. Allele origin: germline.
Comment: This sequence change replaces asparagine with serine at codon 10 of the RNASEH2A protein (p.Asn10Ser). The asparagine residue is highly conserved and there is a small physicochemical difference between asparagine and serine. This variant is not present in population databases (ExAC no frequency). This variant has not been reported in the literature in individuals affected with RNASEH2A-related conditions. Algorithms developed to predict the effect of missense changes on protein structure and function output the following: SIFT: "Tolerated"; PolyPhen-2: "Benign"; Align-GVGD: "Class C0". The serine amino acid residue is found in multiple mammalian species, which suggests that this missense change does not adversely affect protein function. In summary, the available evidence is currently insufficient to determine the role of this variant in disease. Therefore, it has been classified as a Variant of Uncertain Significance.